The following is an entry in ClinVar:

NM_014845.6(FIG4):c.202G>A (p.Gly68Ser)

Gene: FIG4 (FIG4 phosphoinositide 5-phosphatase; plus strand). Cytogenetic location: 6q21.
Variant type: single nucleotide variant.
Coding change: c.202G>A on transcript NM_014845.6 (MANE Select); coding-DNA position 202, G replaced by A.
Protein change: p.Gly68Ser; replaces glycine 68 with serine.
Molecular consequence: missense variant.
Genome position (GRCh38, 1-based): chr6:109,716,481, G>A. VCF-style: chr6-109716481-G-A. GRCh37 (hg19) VCF-style: chr6-110037684-G-A.
Other names: short protein forms G68S.
Identifiers: ClinVar variation 916876 (VCV000916876.6), dbSNP rs745860370, ClinGen allele CA3955708.

ClinVar aggregate classification (germline): Uncertain significance. Review status: criteria provided, multiple submitters, no conflicts (2 of 4 stars). 4 submissions from 4 submitters: Uncertain significance (3). 1 of the submissions does not count toward it. Last evaluated 2024-09-29.

Conditions:
FIG4-related disorder. Also called: FIG4-related disorders; FIG4-related condition.
Inborn genetic diseases. Identifiers: MedGen C0950123, MeSH D030342.
Charcot-Marie-Tooth disease. Also called: Charcot-Marie-Tooth Neuropathy; Charcot-Marie-Tooth Hereditary Neuropathy. Identifiers: Orphanet 166, MedGen C0007959, MONDO:0015626.
Charcot-Marie-Tooth disease type 4. Also called: Charcot-Marie-Tooth, Type 4; Charcot-Marie-Tooth disease, type IV. Identifiers: Orphanet 64749, MedGen C4082197, MONDO:0018995.

Allele frequency attached by ClinVar (database versions not stated): gnomAD 0.00001; gnomAD exomes 0.00001 and below 0.00001; TOPMed below 0.00001; ExAC 0.00002.
gnomAD v4.1: 2 of 1,613,668 alleles (0.00012%); highest among the groups gnomAD compares: Non-Finnish European, 0.00017%; no homozygotes.

Submissions (4):

Labcorp Genetics (formerly Invitae), Labcorp
Classification: Uncertain significance for Charcot-Marie-Tooth disease type 4. Last evaluated: 2024-09-29. Review status: criteria provided, single submitter. Criteria: Invitae Variant Classification Sherloc (09022015). Collection method: clinical testing. Allele origin: germline.
Comment: This sequence change replaces glycine, which is neutral and non-polar, with serine, which is neutral and polar, at codon 68 of the FIG4 protein (p.Gly68Ser). This variant is present in population databases (rs745860370, gnomAD 0.002%). This variant has not been reported in the literature in individuals affected with FIG4-related conditions. ClinVar contains an entry for this variant (Variation ID: 916876). An algorithm developed to predict the effect of missense changes on protein structure and function (PolyPhen-2) suggests that this variant¬†is likely to be tolerated. In summary, the available evidence is currently insufficient to determine the role of this variant in disease. Therefore, it has been classified as a Variant of Uncertain Significance.

Ambry Genetics
Classification: Uncertain significance for Inborn genetic diseases. Last evaluated: 2020-08-24. Review status: criteria provided, single submitter. Criteria: Ambry Variant Classification Scheme 2023. Collection method: clinical testing. Allele origin: germline.
Comment: The p.G68S variant (also known as c.202G>A), located in coding exon 3 of the FIG4 gene, results from a G to A substitution at nucleotide position 202. The glycine at codon 68 is replaced by serine, an amino acid with similar properties. This amino acid position is highly conserved in available vertebrate species. In addition, this alteration is predicted to be tolerated by in silico analysis. Since supporting evidence is limited at this time, the clinical significance of this alteration remains unclear.

Molecular Genetics Laboratory, London Health Sciences Centre
Classification: Uncertain significance for Charcot-Marie-Tooth disease. Review status: criteria provided, single submitter. Criteria: ACMG Guidelines, 2015. Collection method: clinical testing. Allele origin: germline. Affected: yes.

PreventionGenetics, part of Exact Sciences
Classification: Uncertain significance for FIG4-related condition. Last evaluated: 2024-08-23. Review status: no assertion criteria provided. Collection method: clinical testing. Allele origin: germline. Not counted in ClinVar's aggregate classification.
Comment: The FIG4 c.202G>A variant is predicted to result in the amino acid substitution p.Gly68Ser. To our knowledge, this variant has not been reported in the literature. This variant is reported in 0.0018% of alleles in individuals of European (Non-Finnish) descent in gnomAD. At this time, the clinical significance of this variant is uncertain due to the absence of conclusive functional and genetic evidence.